The following is an entry in ClinVar:

ClinVar aggregate classification (germline): Uncertain significance (1 of 4 stars; one submission).

gnomAD v4.1: 1 of 1,614,192 alleles (0.000062%); highest among the groups gnomAD compares: Non-Finnish European, 0.000085%; no homozygotes.

Submission:

GeneDx
Classification: Uncertain significance. Last evaluated: 2024-06-12. Review status: criteria provided, single submitter. Criteria: GeneDx Variant Classification Process June 2021. Collection method: clinical testing. Allele origin: germline. Affected: yes.
Comment: Has not been previously published as pathogenic or benign to our knowledge; Not observed at significant frequency in large population cohorts (gnomAD); Not located in the triple helical region, where the majority of pathogenic missense variants occur (HGMD); In silico analysis indicates that this missense variant does not alter protein structure/function

NM_000090.4(COL3A1):c.3632A>G (p.Glu1211Gly)

Gene: COL3A1 (collagen type III alpha 1 chain; plus strand). Cytogenetic location: 2q32.2.
Variant type: single nucleotide variant.
Coding change: c.3632A>G on transcript NM_000090.4 (MANE Select); coding-DNA position 3632, A replaced by G.
Protein change: p.Glu1211Gly; replaces glutamic acid 1211 with glycine.
Molecular consequence: missense variant.
Genome position (GRCh38, 1-based): chr2:189,009,030, A>G. VCF-style: chr2-189009030-A-G. GRCh37 (hg19) VCF-style: chr2-189873756-A-G.
Other names: short protein forms E1211G.
Identifiers: ClinVar variation 3390385 (VCV003390385.1).
Genomic context (GRCh38, chr2:189,009,030, plus strand): 5'-GTGCCCCTGGTCCTTGCTGTGGTGGTGTTGGAGCCGCTGCCATTGCTGGGATTGGAGGTG[A>G]AAAAGCTGGCGGTTTTGCCCCGTATTATGGAGATGAACCAATGGATTTCAAAATCAACAC-3'
Protein context (NP_000081.2, residues 1201-1221): GAAAIAGIGG[Glu1211Gly]KAGGFAPYYG